The following is an entry in ClinVar:

ClinVar aggregate classification (germline): Pathogenic (1 of 4 stars; one submission).

Conditions:
Leukocyte adhesion deficiency 1 (LAD1). Also called: LEUKOCYTE ADHESION DEFICIENCY, TYPE I; LAD 1; Lymphocyte function-associated antigen 1 immunodeficiency; LFA 1 immunodeficiency. Identifiers: Orphanet 2968, Orphanet 99842, MedGen C0398738, MONDO:0007293, OMIM 116920.

Submission:

Labcorp Genetics (formerly Invitae), Labcorp
Classification: Pathogenic for Leukocyte adhesion deficiency 1. Last evaluated: 2025-08-17. Review status: criteria provided, single submitter. Criteria: Invitae Variant Classification Sherloc (09022015). Collection method: clinical testing. Allele origin: germline.
Comment: This sequence change creates a premature translational stop signal (p.Val390Thrfs*20) in the ITGB2 gene. It is expected to result in an absent or disrupted protein product. Loss-of-function variants in ITGB2 are known to be pathogenic (PMID: 22134107, 25703682). This variant is not present in population databases (gnomAD no frequency). This variant has not been reported in the literature in individuals affected with ITGB2-related conditions. ClinVar contains an entry for this variant (Variation ID: 1982798). For these reasons, this variant has been classified as Pathogenic.

Literature cited by the submitters: PubMed 22134107; PubMed 25703682.

NM_000211.5(ITGB2):c.1168_1180del (p.Val390fs)

Gene: ITGB2 (integrin subunit beta 2; minus strand). Cytogenetic location: 21q22.3.
Variant type: Deletion.
Coding change: c.1168_1180del on transcript NM_000211.5 (MANE Select); coding-DNA positions 1168 to 1180, 13 bases deleted (GTGACGCACAGGA).
Protein change: p.Val390fs; shifts the reading frame from valine 390.
Molecular consequence: frameshift variant.
Genome position (GRCh38, 1-based): chr21:44,893,448-44,893,460, TCCTGTGCGTCAC deleted on the plus strand (GTGACGCACAGGA on the coding strand, the reverse complement: ITGB2 is on the minus strand); deleting any 13 consecutive bases within chr21:44,893,448-44,893,463 gives the same sequence; the c. name uses the placement nearest the transcript's 3' end. VCF-style (leftmost placement, unchanged base first): chr21-44893447-TTCCTGTGCGTCAC-T. GRCh37 (hg19) VCF-style: chr21-46313362-TTCCTGTGCGTCAC-T.
Other names: c.1168_1180del, p.Val390fs (NM_001127491.3); c.961_973del, p.Val321fs (NM_001303238.2); short protein forms V321fs, V390fs.
Identifiers: ClinVar variation 1982798 (VCV001982798.4), dbSNP rs2517094156, ClinGen allele CA2580098846.